The following is an entry in ClinVar:

ClinVar aggregate classification (germline): Conflicting classifications of pathogenicity. Review status: criteria provided, conflicting classifications (1 of 4 stars). 5 submissions from 5 submitters: Likely pathogenic (3); Uncertain significance (1). 1 of the submissions does not count toward it. Last evaluated 2026-09-08.

Conditions:
Hereditary cancer-predisposing syndrome. Also called: Neoplastic Syndromes, Hereditary; Hereditary Cancer Syndrome; Tumor predisposition; Hereditary neoplastic syndrome. Identifiers: Orphanet 140162, MedGen C0027672, MeSH D009386, MONDO:0015356.
Familial cancer of breast. Also called: Hereditary breast cancer; BREAST CANCER, FAMILIAL; hereditary breast carcinoma. Identifiers: Orphanet 227535, MedGen C0346153, MONDO:0016419, OMIM 114480. Disease mechanism: loss of function.
Ataxia-telangiectasia syndrome (AT). Also called: LOUIS-BAR SYNDROME; Cerebello-oculocutaneous telangiectasia; Immunodeficiency with ataxia telangiectasia; Ataxia-telangiectasia, complementation group D; AT, COMPLEMENTATION GROUP C; Ataxia-telangiectasia, complementation group E. Identifiers: Orphanet 100, MedGen C0004135, MONDO:0008840, OMIM 208900.

Submissions (5):

GeneDx
Classification: Likely pathogenic. Last evaluated: 2026-09-08. Review status: criteria provided, single submitter. Criteria: GeneDx Variant Classification Process June 2021. Collection method: clinical testing. Allele origin: germline.
Comment: In silico analysis suggests that this missense variant does not alter protein structure/function; Not observed at significant frequency in large population cohorts (gnomAD); This variant is associated with the following publications: (PMID: 26314984, 29731985, 23532176, 40105422)

Ambry Genetics
Classification: Likely pathogenic for Hereditary cancer-predisposing syndrome. Last evaluated: 2026-09-03. Review status: criteria provided, single submitter. Criteria: Ambry Variant Classification Scheme 2023. Collection method: clinical testing. Allele origin: germline.
Comment: The p.V2951I variant (also known as c.8851G>A) is located in coding exon 61 of the ATM gene. The valine at codon 2951 is replaced by isoleucine, an amino acid with highly similar properties. This change occurs in the first base pair of coding exon 61. In an assay testing ATM function, this variant showed a functionally abnormal result (Lee KS et al Cell 2025 Sep;188(18):5081-5099.e27). This variant has been identified in conjunction with other ATM variant in individuals who met clinical criteria for Ataxia telangiectasia; in at least one instance, the variants were identified in trans (External communication). This amino acid position is highly conserved in available vertebrate species. In addition, the in silico prediction for this alteration is inconclusive. Based on the majority of available evidence to date, this variant is likely to be pathogenic.

Myriad Genetics, Inc.
Classification: Likely pathogenic for Familial cancer of breast. Last evaluated: 2026-08-14. Review status: criteria provided, single submitter. Criteria: Myriad Autosomal Dominant, Autosomal Recessive and X-Linked Classification Criteria (2023). Collection method: clinical testing. Allele origin: unknown.
Comment: This variant is considered likely pathogenic. Functional studies indicate this variant impacts protein function [PMID: 40105422, 40580951]. This variant is expected to disrupt protein structure [Myriad internal data].

Labcorp Genetics (formerly Invitae), Labcorp
Classification: Uncertain significance for Ataxia-telangiectasia syndrome. Last evaluated: 2025-08-04. Review status: criteria provided, single submitter. Criteria: Invitae Variant Classification Sherloc (09022015). Collection method: clinical testing. Allele origin: germline.
Comment: This sequence change replaces valine, which is neutral and non-polar, with isoleucine, which is neutral and non-polar, at codon 2951 of the ATM protein (p.Val2951Ile). This variant is not present in population databases (gnomAD no frequency). This variant has not been reported in the literature in individuals affected with ATM-related conditions. ClinVar contains an entry for this variant (Variation ID: 453751). An algorithm developed to predict the effect of missense changes on protein structure and function (PolyPhen-2) suggests that this variant is likely to be disruptive. In summary, the available evidence is currently insufficient to determine the role of this variant in disease. Therefore, it has been classified as a Variant of Uncertain Significance.

Natera, Inc.
Classification: Uncertain significance for Ataxia-telangiectasia. Last evaluated: 2025-03-02. Review status: no assertion criteria provided. Collection method: clinical testing. Allele origin: germline. Not counted in ClinVar's aggregate classification.

Literature cited by the submitters: PubMed 40105422 (cited by Myriad Genetics, Inc.); PubMed 40580951 (cited by Myriad Genetics, Inc.).

NM_000051.4(ATM):c.8851G>A (p.Val2951Ile)

Genes: C11orf65 (chromosome 11 open reading frame 65; minus strand), ATM (ATM serine/threonine kinase; plus strand). Cytogenetic location: 11q22.3.
Variant type: single nucleotide variant.
Coding change: c.8851G>A on transcript NM_000051.4 (MANE Select); coding-DNA position 8851, G replaced by A.
Protein change: p.Val2951Ile; replaces valine 2951 with isoleucine.
Molecular consequence: missense variant. On other transcripts: intron variant (2).
Genome position (GRCh38, 1-based): chr11:108,365,082, G>A. VCF-style: chr11-108365082-G-A. GRCh37 (hg19) VCF-style: chr11-108235809-G-A.
Other names: c.8851G>A, p.Val2951Ile (NM_001351834.2); c.640+20838C>T (NM_001330368.2); c.694+20838C>T (NM_001351110.2); short protein forms V2951I.
Identifiers: ClinVar variation 453751 (VCV000453751.20), dbSNP rs1555151205, ClinGen allele CA382529526.
Genomic context (GRCh38, chr11:108,365,082, plus strand): 5'-TTCTAAGTATGTGATTAAAATGTACATTGTTCTTTTAATACATATGTTCTCTCTGTTTAG[G>A]TCCTTCTATATGATCCACTCTTTGACTGGACCATGAATCCTTTGAAAGCTTTGTATTTAC-3'
Protein context (NP_000042.3, residues 2941-2961): SQETLLTIVE[Val2951Ile]LLYDPLFDWT